The following is an entry in ClinVar:

ClinVar aggregate classification (germline): Likely pathogenic (1 of 4 stars; one submission).

Conditions:
Syndromic multisystem autoimmune disease due to ITCH deficiency. Also called: AUTOIMMUNE DISEASE, MULTISYSTEM, WITH FACIAL DYSMORPHISM. Identifiers: Orphanet 228426, MedGen C3150649, MONDO:0013245, OMIM 613385.

Submission:

Labcorp Genetics (formerly Invitae), Labcorp
Classification: Likely pathogenic for Syndromic multisystem autoimmune disease due to ITCH deficiency. Last evaluated: 2025-04-19. Review status: criteria provided, single submitter. Criteria: Invitae Variant Classification Sherloc (09022015). Collection method: clinical testing. Allele origin: germline.
Comment: This sequence change affects a donor splice site in intron 21 of the ITCH gene. It is expected to disrupt RNA splicing. Variants that disrupt the donor or acceptor splice site typically lead to a loss of protein function (PMID: 16199547), and loss-of-function variants in ITCH are known to be pathogenic (PMID: 20170897). This variant is not present in population databases (gnomAD no frequency). This variant has not been reported in the literature in individuals affected with ITCH-related conditions. Algorithms developed to predict the effect of sequence changes on RNA splicing suggest that this variant may disrupt the consensus splice site. In summary, the currently available evidence indicates that the variant is pathogenic, but additional data are needed to prove that conclusively. Therefore, this variant has been classified as Likely Pathogenic.

Literature cited by the submitters: PubMed 16199547; PubMed 20170897.

NM_031483.7(ITCH):c.2214+1G>T

Gene: ITCH (itchy E3 ubiquitin protein ligase; plus strand). Cytogenetic location: 20q11.22.
Variant type: single nucleotide variant.
Coding change: c.2214+1G>T on transcript NM_031483.7 (MANE Select); the canonical splice donor site of the intron after coding-DNA position 2214, G replaced by T.
Molecular consequence: splice donor variant.
Genome position (GRCh38, 1-based): chr20:34,489,387, G>T. VCF-style: chr20-34489387-G-T. GRCh37 (hg19) VCF-style: chr20-33077192-G-T.
Other names: c.2337+1G>T (NM_001324197.2, NM_001257137.3); c.2214+1G>T (NM_001324198.2); c.1884+1G>T (NM_001257138.3).
Identifiers: ClinVar variation 4717903 (VCV004717903.1).